The following is an entry in ClinVar:

ClinVar aggregate classification (germline): Uncertain significance (0 of 4 stars; one submission).

Conditions:
ABCC8-related disorder.

gnomAD v4.1: 1 of 1,612,286 alleles (0.000062%); highest among the groups gnomAD compares: Non-Finnish European, 0.000085%; no homozygotes.

Submission:

PreventionGenetics, part of Exact Sciences
Classification: Uncertain significance for ABCC8-related condition. Last evaluated: 2024-07-25. Review status: no assertion criteria provided. Collection method: clinical testing. Allele origin: germline.
Comment: The ABCC8 c.2041-16G>C variant is predicted to interfere with splicing. To our knowledge, this variant has not been reported in the literature or in a large population database, indicating this variant is rare. However, the use of computer prediction programs is not equivalent to functional evidence, and therefore the clinical significance of this variant is uncertain.

NM_000352.6(ABCC8):c.2041-16G>C

Gene: ABCC8 (ATP binding cassette subfamily C member 8; minus strand). Cytogenetic location: 11p15.1.
Variant type: single nucleotide variant.
Coding change: c.2041-16G>C on transcript NM_000352.6 (MANE Select); 16 bases into the intron before coding-DNA position 2041, G replaced by C.
Molecular consequence: intron variant.
Genome position (GRCh38, 1-based): chr11:17,427,958, C>G on the plus strand (G>C on the coding strand, the complement: ABCC8 is on the minus strand). VCF-style: chr11-17427958-C-G. GRCh37 (hg19) VCF-style: chr11-17449505-C-G.
Other names: c.2038-16G>C (NM_001351297.2, NM_001351296.2); c.2107-16G>C (NM_001351295.2); c.2041-16G>C (NM_001287174.3).
Identifiers: ClinVar variation 3344969 (VCV003344969.1).
Genomic context (GRCh38, chr11:17,427,958, plus strand): 5'-TGTGGGGATTCCATCTGGGGTCCACGTGAAGTAGCCTCCCATGATCTTCATTAGGCGTGT[C>G]CCACCGCCCAGGAGAGAACAGAAAGGCAGCCAGTTCCCAGTGAATAGTCTCTGGCTTCCC-3'